The following is an entry in ClinVar:

ClinVar aggregate classification (germline): Uncertain significance (1 of 4 stars; one submission).

Conditions:
Encephalopathy, acute, infection-induced (herpes-specific), susceptibility to, 1. Also called: Herpes simplex encephalitis, susceptibility to, 1. Identifiers: Orphanet 1930, MedGen C2750180, MONDO:0024563, OMIM 610551.

Allele frequency attached by ClinVar (database versions not stated): gnomAD exomes below 0.00001; TOPMed below 0.00001.
gnomAD v4.1: 2 of 1,614,180 alleles (0.00012%); highest among the groups gnomAD compares: Non-Finnish European, 0.00017%; no homozygotes.

Submission:

Labcorp Genetics (formerly Invitae), Labcorp
Classification: Uncertain significance for Encephalopathy, acute, infection-induced (herpes-specific), susceptibility to, 1. Last evaluated: 2023-04-29. Review status: criteria provided, single submitter. Criteria: Invitae Variant Classification Sherloc (09022015). Collection method: clinical testing. Allele origin: germline.
Comment: In summary, the available evidence is currently insufficient to determine the role of this variant in disease. Therefore, it has been classified as a Variant of Uncertain Significance. This variant has not been reported in the literature in individuals affected with TLR3-related conditions. This variant is present in population databases (no rsID available, gnomAD 0.0009%). This sequence change creates a premature translational stop signal (p.Trp728*) in the TLR3 gene. It is expected to result in an absent or disrupted protein product. However, the current clinical and genetic evidence is not sufficient to establish whether loss-of-function variants in TLR3 cause disease.

NM_003265.3(TLR3):c.2184G>A (p.Trp728Ter)

Gene: TLR3 (toll like receptor 3; plus strand). Cytogenetic location: 4q35.1.
Variant type: single nucleotide variant.
Coding change: c.2184G>A on transcript NM_003265.3 (MANE Select); coding-DNA position 2184, G replaced by A.
Protein change: p.Trp728Ter; replaces tryptophan 728 with a stop codon.
Molecular consequence: nonsense.
Genome position (GRCh38, 1-based): chr4:186,083,870, G>A. VCF-style: chr4-186083870-G-A. GRCh37 (hg19) VCF-style: chr4-187005024-G-A.
Other names: short protein forms W728*.
Identifiers: ClinVar variation 2844111 (VCV002844111.3), dbSNP rs1377353903, ClinGen allele CA358935378.